The following is an entry in ClinVar:

ClinVar aggregate classification (germline): Likely benign. Review status: criteria provided, multiple submitters, no conflicts (2 of 4 stars). 4 submissions from 4 submitters: Likely benign (3). 1 of the submissions does not count toward it. Last evaluated 2025-12-15.

Conditions:
CHD7-related disorder. Also called: CHD7-related condition.
Inborn genetic diseases. Identifiers: MedGen C0950123, MeSH D030342.
CHARGE syndrome (CHARGE). Also called: Coloboma, heart anomaly, choanal atresia, retardation, genital and ear anomalies; CHARGE association; Hall-Hittner syndrome; Hittner Hirsch Kreh syndrome; CHARGE ASSOCIATION--COLOBOMA, HEART ANOMALY, CHOANAL ATRESIA, RETARDATION, GENITAL AND EAR ANOMALIES. Identifiers: Orphanet 138, MedGen C0265354, MONDO:0008965.

Allele frequency attached by ClinVar (database versions not stated): gnomAD 0.00008 and 0.00009; TOPMed 0.00008; ExAC 0.00010; ESP Exome Variant Server 0.00016.
gnomAD v4.1: 73 of 1,613,430 alleles (0.0045%); highest among the groups gnomAD compares: African/African-American, 0.021%; no homozygotes.

Submissions (4):

Labcorp Genetics (formerly Invitae), Labcorp
Classification: Likely benign for CHARGE syndrome. Last evaluated: 2025-12-15. Review status: criteria provided, single submitter. Criteria: Invitae Variant Classification Sherloc (09022015). Collection method: clinical testing. Allele origin: germline.

Ambry Genetics
Classification: Likely benign for Inborn genetic diseases. Last evaluated: 2025-07-14. Review status: criteria provided, single submitter. Criteria: Ambry Variant Classification Scheme 2023. Collection method: clinical testing. Allele origin: germline.

CeGaT Center for Human Genetics Tuebingen
Classification: Likely benign. Last evaluated: 2023-11-01. Review status: criteria provided, single submitter. Criteria: CeGaT Center For Human Genetics Tuebingen Variant Classification Criteria Version 2. Collection method: clinical testing. Allele origin: germline. Affected: yes. Observed: 1 variant allele.
Comment: CHD7: BP4

PreventionGenetics, part of Exact Sciences
Classification: Uncertain significance for CHD7-related condition. Last evaluated: 2024-08-26. Review status: no assertion criteria provided. Collection method: clinical testing. Allele origin: germline. Not counted in ClinVar's aggregate classification.
Comment: The CHD7 c.509C>T variant is predicted to result in the amino acid substitution p.Pro170Leu. To our knowledge, this variant has not been reported in the literature. This variant is reported in 0.011% of alleles in individuals of European (Non-Finnish) descent in gnomAD, which may be too common to be causative. Although we suspect that this variant may be benign, at this time, the clinical significance of this variant is uncertain due to the absence of conclusive functional and genetic evidence.

NM_017780.4(CHD7):c.509C>T (p.Pro170Leu)

Gene: CHD7 (chromodomain helicase DNA binding protein 7; plus strand). Cytogenetic location: 8q12.2.
Variant type: single nucleotide variant.
Coding change: c.509C>T on transcript NM_017780.4 (MANE Select); coding-DNA position 509, C replaced by T.
Protein change: p.Pro170Leu; replaces proline 170 with leucine.
Molecular consequence: missense variant.
Genome position (GRCh38, 1-based): chr8:60,741,941, C>T. VCF-style: chr8-60741941-C-T. GRCh37 (hg19) VCF-style: chr8-61654500-C-T.
Other names: c.509C>T, p.Pro170Leu (NM_001316690.1); short protein forms P170L.
Identifiers: ClinVar variation 646597 (VCV000646597.33), dbSNP rs369545523, ClinGen allele CA4759329.